The following is an entry in ClinVar:

NM_006258.4(PRKG1):c.1933G>C (p.Gly645Arg)

Gene: PRKG1 (protein kinase cGMP-dependent 1; plus strand). Cytogenetic location: 10q21.1.
Variant type: single nucleotide variant.
Coding change: c.1933G>C on transcript NM_006258.4 (MANE Select); coding-DNA position 1933, G replaced by C.
Protein change: p.Gly645Arg; replaces glycine 645 with arginine.
Molecular consequence: missense variant.
Genome position (GRCh38, 1-based): chr10:52,290,261, G>C. VCF-style: chr10-52290261-G-C. GRCh37 (hg19) VCF-style: chr10-54050021-G-C.
Other names: c.1888G>C, p.Gly630Arg (NM_001098512.3); c.724G>C, p.Gly242Arg (NM_001374781.1); short protein forms G645R, G242R, G630R.
Identifiers: ClinVar variation 4712364 (VCV004712364.1).

ClinVar aggregate classification (germline): Uncertain significance (1 of 4 stars; one submission).

Conditions:
Aortic aneurysm, familial thoracic 8 (AAT8). Identifiers: MedGen C3809513, MONDO:0014187, OMIM 615436.

gnomAD v4.1: 5 of 1,612,830 alleles (0.00031%); highest among the groups gnomAD compares: African/African-American, 0.0013%; no homozygotes.

Submission:

Labcorp Genetics (formerly Invitae), Labcorp
Classification: Uncertain significance for Aortic aneurysm, familial thoracic 8. Last evaluated: 2026-01-04. Review status: criteria provided, single submitter. Criteria: Invitae Variant Classification Sherloc (09022015). Collection method: clinical testing. Allele origin: germline.
Comment: This sequence change replaces glycine, which is neutral and non-polar, with arginine, which is basic and polar, at codon 645 of the PRKG1 protein (p.Gly645Arg). This variant is not present in population databases (gnomAD no frequency). This variant has not been reported in the literature in individuals affected with PRKG1-related conditions. An algorithm developed to predict the effect of missense changes on protein structure and function (PolyPhen-2) suggests that this variant is likely to be tolerated. In summary, the available evidence is currently insufficient to determine the role of this variant in disease. Therefore, it has been classified as a Variant of Uncertain Significance.